The following is an entry in ClinVar:

NM_002471.4(MYH6):c.3352G>A (p.Glu1118Lys)

Gene: MYH6 (myosin heavy chain 6; minus strand). Cytogenetic location: 14q11.2.
Variant type: single nucleotide variant.
Coding change: c.3352G>A on transcript NM_002471.4 (MANE Select); coding-DNA position 3352, G replaced by A.
Protein change: p.Glu1118Lys; replaces glutamic acid 1118 with lysine.
Molecular consequence: missense variant.
Genome position (GRCh38, 1-based): chr14:23,390,437, C>T on the plus strand (G>A on the coding strand, the complement: MYH6 is on the minus strand). VCF-style: chr14-23390437-C-T. GRCh37 (hg19) VCF-style: chr14-23859646-C-T.
Other names: c.3352G>A (NM_002471.3); short protein forms E1118K.
Identifiers: ClinVar variation 1328497 (VCV001328497.15), dbSNP rs750174797, ClinGen allele CA7115204.

ClinVar aggregate classification (germline): Uncertain significance. Review status: criteria provided, multiple submitters, no conflicts (2 of 4 stars). 6 submissions from 6 submitters: Uncertain significance (4). 2 of the submissions do not count toward it. Last evaluated 2026-01-15.

Conditions:
Dilated cardiomyopathy 1EE (CMD1EE). Identifiers: Orphanet 154, MedGen C2750466, MONDO:0013198, OMIM 613252.
Hypertrophic cardiomyopathy 14. Identifiers: MedGen C2750467, MONDO:0013197, OMIM 613251.
Hypertrophic cardiomyopathy 1 (CMH1). Also called: Familial hypertrophic cardiomyopathy 1; MYH7-Related Familial Hypertrophic Cardiomyopathy. Identifiers: MedGen C3495498, MONDO:0008647, OMIM 192600.
Atrial septal defect 3 (ASD3). Identifiers: Orphanet 1478, MedGen C3279790, MONDO:0013567, OMIM 614089.
Sick sinus syndrome 3, susceptibility to (SSS3). Identifiers: Orphanet 166282, MedGen C3279791, MONDO:0013568, OMIM 614090.
Cardiovascular phenotype. Identifiers: MedGen CN230736.

Allele frequency attached by ClinVar (database versions not stated): ExAC 0.00001.
gnomAD v4.1: 23 of 1,612,580 alleles (0.0014%); highest among the groups gnomAD compares: Middle Eastern, 0.017%; no homozygotes.

Submissions (6):

Labcorp Genetics (formerly Invitae), Labcorp
Classification: Uncertain significance for Hypertrophic cardiomyopathy 14. Last evaluated: 2026-01-15. Review status: criteria provided, single submitter. Criteria: Invitae Variant Classification Sherloc (09022015). Collection method: clinical testing. Allele origin: germline.
Comment: This sequence change replaces glutamic acid, which is acidic and polar, with lysine, which is basic and polar, at codon 1118 of the MYH6 protein (p.Glu1118Lys). This variant is present in population databases (rs750174797, gnomAD 0.003%). This variant has not been reported in the literature in individuals affected with MYH6-related conditions. ClinVar contains an entry for this variant (Variation ID: 1328497). Invitae Evidence Modeling of protein sequence and biophysical properties (such as structural, functional, and spatial information, amino acid conservation, physicochemical variation, residue mobility, and thermodynamic stability) indicates that this missense variant is not expected to disrupt MYH6 protein function with a negative predictive value of 80%. In summary, the available evidence is currently insufficient to determine the role of this variant in disease. Therefore, it has been classified as a Variant of Uncertain Significance.

CeGaT Center for Human Genetics Tuebingen
Classification: Uncertain significance. Last evaluated: 2025-10-01. Review status: criteria provided, single submitter. Criteria: CeGaT Center For Human Genetics Tuebingen Variant Classification Criteria Version 2. Collection method: clinical testing. Allele origin: germline. Affected: yes. Observed: 1 variant allele.
Comment: MYH6: PP3

Ambry Genetics
Classification: Uncertain significance for Cardiovascular phenotype. Last evaluated: 2025-03-08. Review status: criteria provided, single submitter. Criteria: Ambry Variant Classification Scheme 2023. Collection method: clinical testing. Allele origin: germline.

Department of Pathology and Laboratory Medicine, Sinai Health System
Classification: Uncertain significance for Hypertrophic cardiomyopathy 1; Hypertrophic cardiomyopathy 14; Dilated cardiomyopathy 1EE; Atrial septal defect 3; Sick sinus syndrome 3, susceptibility to. Last evaluated: 2021-07-30. Review status: criteria provided, single submitter. Criteria: ACMG Guidelines, 2015. Collection method: research. Allele origin: germline.

Clinical Genetics DNA and cytogenetics Diagnostics Lab, Erasmus MC, Erasmus Medical Center
Classification: Uncertain significance. Review status: no assertion criteria provided. Collection method: clinical testing. Allele origin: germline. Affected: yes. Study: VKGL Data-share Consensus. Not counted in ClinVar's aggregate classification.

Joint Genome Diagnostic Labs from Nijmegen and Maastricht, Radboudumc and MUMC+
Classification: Uncertain significance. Review status: no assertion criteria provided. Collection method: clinical testing. Allele origin: germline. Affected: yes. Study: VKGL Data-share Consensus. Not counted in ClinVar's aggregate classification.